The following is an entry in ClinVar:

NM_003114.5(SPAG1):c.2634dup (p.Ala879fs)

Gene: SPAG1 (sperm associated antigen 1; plus strand). Cytogenetic location: 8q22.2.
Variant type: Duplication.
Coding change: c.2634dup on transcript NM_003114.5 (MANE Select); coding-DNA position 2634, one base duplicated (A; older notation c.2634dupA).
Protein change: p.Ala879fs; shifts the reading frame from alanine 879.
Molecular consequence: frameshift variant.
Genome position (GRCh38, 1-based): chr8:100,240,756, A duplicated; the last of 3 consecutive A bases (chr8:100,240,754-100,240,756); duplicating any one gives the same sequence. VCF-style (leftmost placement, unchanged base first): chr8-100240753-T-TA. GRCh37 (hg19) VCF-style: chr8-101252981-T-TA.
Other names: c.2634dup, p.Ala879fs (NM_001374321.1, NM_172218.3); short protein forms A879fs.
Identifiers: ClinVar variation 2585624 (VCV002585624.1), dbSNP rs780342865, ClinGen allele CA4827783.

ClinVar aggregate classification (germline): Uncertain significance (1 of 4 stars; one submission).

Conditions:
Primary ciliary dyskinesia 28. Also called: CILIARY DYSKINESIA, PRIMARY, 28, WITH OR WITHOUT SITUS INVERSUS. Identifiers: Orphanet 244, MedGen C3809706, MONDO:0014216, OMIM 615505.

Submission:

Neuberg Centre For Genomic Medicine, NCGM
Classification: Uncertain significance for Primary ciliary dyskinesia 28. Review status: criteria provided, single submitter. Criteria: ACMG Guidelines, 2015. Collection method: clinical testing. Allele origin: germline. Inheritance: Autosomal recessive inheritance. Affected: yes.
Comment: The c.2634dup (p.Ala879SerfsTer5) frameshift variant in SPAG1 gene has not been reported previously as a pathogenic variant nor as a benign variant, to our knowledge. This variant is reported with the allele frequency (0.003%) in the gnomAD and novel in 1000 genome database. This variant causes a frameshift starting with codon Alanine 879, changes this amino acid to Serine residue, and creates a premature Stop codon at position 5 of the new reading frame, denoted p.Ala879SerfsTer5. Loss of function variants have been previously reported to be disease causing. However since this variant is present in the last exon/penultimate exon functional studies will be required to prove protein truncation. For these reasons, this variant has been classified as Variant of Uncertain Significance (VUS). The above variant is present in heterozygous state and hence the molecular diagnosis is not confirmed.